The following is an entry in ClinVar:

ClinVar aggregate classification (germline): Uncertain significance (1 of 4 stars; one submission).

Conditions:
Hereditary cancer-predisposing syndrome. Also called: Neoplastic Syndromes, Hereditary; Tumor predisposition; Hereditary Cancer Syndrome; Hereditary neoplastic syndrome. Identifiers: Orphanet 140162, MedGen C0027672, MeSH D009386, MONDO:0015356.

Allele frequency attached by ClinVar (database versions not stated): gnomAD exomes below 0.00001.
gnomAD v4.1: 1 of 1,605,614 alleles (0.000062%); highest among the groups gnomAD compares: Non-Finnish European, 0.000085%; no homozygotes.

Submission:

Ambry Genetics
Classification: Uncertain significance for Hereditary cancer-predisposing syndrome. Last evaluated: 2025-05-31. Review status: criteria provided, single submitter. Criteria: Ambry Variant Classification Scheme 2023. Collection method: clinical testing. Allele origin: germline.
Comment: The p.P2790R variant (also known as c.8369C>G), located in coding exon 15 of the APC gene, results from a C to G substitution at nucleotide position 8369. The proline at codon 2790 is replaced by arginine, an amino acid with dissimilar properties. This amino acid position is well conserved in available vertebrate species. In addition, in silico predictors for this gene do not accurately predict pathogenicity. Missense alterations in APC are not a common cause of disease (Spier I et al. Genet Med. 2024 Feb;26(2):100992). Based on the available evidence, the clinical significance of this variant remains unclear.

NM_000038.6(APC):c.8369C>G (p.Pro2790Arg)

Gene: APC (APC regulator of Wnt signaling pathway; plus strand). Cytogenetic location: 5q22.2.
Variant type: single nucleotide variant.
Coding change: c.8369C>G on transcript NM_000038.6 (MANE Select); coding-DNA position 8369, C replaced by G.
Protein change: p.Pro2790Arg; replaces proline 2790 with arginine.
Molecular consequence: missense variant.
Genome position (GRCh38, 1-based): chr5:112,843,963, C>G. VCF-style: chr5-112843963-C-G. GRCh37 (hg19) VCF-style: chr5-112179660-C-G.
Other names: c.8369C>G, p.Pro2790Arg (NM_001127510.3, NM_001354895.2, NM_001407450.1); c.8315C>G, p.Pro2772Arg (NM_001127511.3); c.8423C>G, p.Pro2808Arg (NM_001354896.2, NM_001407447.1, NM_001407448.1 and 1 more transcripts); c.8399C>G, p.Pro2800Arg (NM_001354897.2); c.8294C>G, p.Pro2765Arg (NM_001354898.2); c.8285C>G, p.Pro2762Arg (NM_001354899.2); c.8246C>G, p.Pro2749Arg (NM_001354900.2); c.8192C>G, p.Pro2731Arg (NM_001354901.2, NM_001407453.1); and 11 more; short protein forms P2630R, P2661R, P2749R, P2762R, P2808R, P2406R, P2699R, P2707R.
Identifiers: ClinVar variation 1763102 (VCV001763102.3), dbSNP rs774681536, ClinGen allele CA16039495.